The following is an entry in ClinVar:

ClinVar aggregate classification (germline): Uncertain significance (1 of 4 stars; one submission).

Conditions:
Pheochromocytoma. Also called: MAX-Related Hereditary Paraganglioma-Pheochromocytoma Syndrome. Identifiers: Orphanet 29072, MedGen C0031511, MONDO:0008233, OMIM 171300, HP:0002666.
Pheochromocytoma/paraganglioma syndrome 4. Also called: CAROTID BODY TUMORS AND MULTIPLE EXTRAADRENAL PHEOCHROMOCYTOMAS; PARAGANGLIOMA, FAMILIAL MALIGNANT; PARAGANGLIOMAS, HEREDITARY EXTRAADRENAL; PHEOCHROMOCYTOMA, FAMILIAL EXTRAADRENAL; Paragangliomas 4; SDHB-Related Hereditary Paraganglioma-Pheochromocytoma Syndrome (Paragangliomas 4). Identifiers: Orphanet 29072, MedGen C1861848, MONDO:0007273, OMIM 115310.
Gastrointestinal stromal tumor. Also called: Gastrointestinal stromal tumor, somatic; Gastrointestinal stroma tumor. Identifiers: Orphanet 44890, MedGen C0238198, MeSH D046152, MONDO:0011719, OMIM 606764, HP:0100723.

Submission:

Labcorp Genetics (formerly Invitae), Labcorp
Classification: Uncertain significance for Gastrointestinal stromal tumor; Pheochromocytoma/paraganglioma syndrome 4; Pheochromocytoma. Last evaluated: 2024-07-31. Review status: criteria provided, single submitter. Criteria: Invitae Variant Classification Sherloc (09022015). Collection method: clinical testing. Allele origin: germline.
Comment: This sequence change falls in intron 1 of the SDHB gene. It does not directly change the encoded amino acid sequence of the SDHB protein. RNA analysis indicates that this variant induces altered splicing and may result in an absent or altered protein product. This variant is not present in population databases (gnomAD no frequency). This variant has been observed in individual(s) with paragangliomas (PMID: 34750850). Studies have shown that this variant results in activation of a cryptic site, and produces a non-functional protein and/or introduces a premature termination codon (Invitae). In summary, the available evidence is currently insufficient to determine the role of this variant in disease. Therefore, it has been classified as a Variant of Uncertain Significance.

Literature cited by the submitters: PubMed 34750850.

NM_003000.3(SDHB):c.73-22T>A

Gene: SDHB (succinate dehydrogenase complex iron sulfur subunit B; minus strand). Cytogenetic location: 1p36.13.
Variant type: single nucleotide variant.
Coding change: c.73-22T>A on transcript NM_003000.3 (MANE Select); 22 bases into the intron before coding-DNA position 73, T replaced by A.
Molecular consequence: intron variant.
Genome position (GRCh38, 1-based): chr1:17,044,910, A>T on the plus strand (T>A on the coding strand, the complement: SDHB is on the minus strand). VCF-style: chr1-17044910-A-T. GRCh37 (hg19) VCF-style: chr1-17371405-A-T.
Other names: c.73-22T>A (NM_001407361.1).
Identifiers: ClinVar variation 3757404 (VCV003757404.2).